The following is an entry in ClinVar:

NM_000455.5(STK11):c.984C>G (p.Thr328=)

Genes: STK11 (serine/threonine kinase 11; plus strand), LOC130062899 (ATAC-STARR-seq lymphoblastoid active region 13597; plus strand). Cytogenetic location: 19p13.3.
Variant type: single nucleotide variant.
Coding change: c.984C>G on transcript NM_000455.5 (MANE Select); coding-DNA position 984, C replaced by G.
Protein change: p.Thr328=; no amino-acid change (threonine 328 retained).
Molecular consequence: synonymous variant.
Genome position (GRCh38, 1-based): chr19:1,223,048, C>G. VCF-style: chr19-1223048-C-G. GRCh37 (hg19) VCF-style: chr19-1223047-C-G.
Other names: p.T328T:ACC>ACG.
Identifiers: ClinVar variation 182889 (VCV000182889.25), dbSNP rs730881965, ClinGen allele CA023395.

ClinVar aggregate classification (germline): Benign/Likely benign. Review status: criteria provided, multiple submitters, no conflicts (2 of 4 stars). 9 submissions from 9 submitters: Benign (2); Likely benign (6). 1 of the submissions does not count toward it. Last evaluated 2025-12-03.

Conditions:
STK11-related disorder. Also called: STK11-related condition.
Hereditary cancer-predisposing syndrome. Also called: Tumor predisposition; Hereditary Cancer Syndrome; Hereditary neoplastic syndrome; Neoplastic Syndromes, Hereditary. Identifiers: Orphanet 140162, MedGen C0027672, MeSH D009386, MONDO:0015356.
Peutz-Jeghers syndrome (PJS). Also called: POLYPOSIS, HAMARTOMATOUS INTESTINAL; POLYPS-AND-SPOTS SYNDROME; Peutz-Jeghers polyposis; Periorificial lentiginosis syndrome. Identifiers: Orphanet 2869, MedGen C0031269, MeSH D010580, MONDO:0008280, OMIM 175200.

Allele frequency attached by ClinVar (database versions not stated): gnomAD exomes 0.00001; gnomAD 0.00002; TOPMed 0.00002.

Submissions (9):

Labcorp Genetics (formerly Invitae), Labcorp
Classification: Likely benign for Peutz-Jeghers syndrome. Last evaluated: 2025-12-03. Review status: criteria provided, single submitter. Criteria: Invitae Variant Classification Sherloc (09022015). Collection method: clinical testing. Allele origin: germline.

Myriad Genetics, Inc.
Classification: Benign for Peutz-Jeghers syndrome. Last evaluated: 2025-03-28. Review status: criteria provided, single submitter. Criteria: Myriad Autosomal Dominant, Autosomal Recessive and X-Linked Classification Criteria (2023). Collection method: clinical testing. Allele origin: unknown.
Comment: This variant is considered benign. This variant is a silent/synonymous amino acid change and it is not expected to impact splicing.

All of Us Research Program, National Institutes of Health
Classification: Likely benign for Peutz-Jeghers syndrome. Last evaluated: 2023-09-09. Review status: criteria provided, single submitter. Criteria: ACMG Guidelines, 2015. Collection method: clinical testing. Allele origin: germline. Inheritance: Autosomal dominant inheritance. Observed: 1 variant allele, 1 heterozygote.
Comment: This study involves interpretation of variants in research participants for the purpose of population health screening. Participant phenotype was not available at the time of variant classification. Additional details can be found in publication PMID: 35346344, PMCID: PMC8962531

Women's Health and Genetics/Laboratory Corporation of America, LabCorp
Classification: Likely benign. Last evaluated: 2023-01-23. Review status: criteria provided, single submitter. Criteria: LabCorp Variant Classification Summary - May 2015. Collection method: clinical testing. Allele origin: germline.

Genome-Nilou Lab
Classification: Likely benign for Peutz-Jeghers syndrome. Last evaluated: 2021-07-15. Review status: criteria provided, single submitter. Criteria: ACMG Guidelines, 2015. Collection method: clinical testing. Allele origin: germline. Affected: no.

Color Diagnostics, LLC DBA Color Health
Classification: Likely benign for Hereditary cancer-predisposing syndrome. Last evaluated: 2017-10-06. Review status: criteria provided, single submitter. Criteria: ACMG Guidelines, 2015. Collection method: clinical testing. Allele origin: germline.

Ambry Genetics
Classification: Likely benign for Hereditary cancer-predisposing syndrome. Last evaluated: 2015-11-24. Review status: criteria provided, single submitter. Criteria: Ambry Variant Classification Scheme 2023. Collection method: clinical testing. Allele origin: germline.

GeneDx
Classification: Benign. Last evaluated: 2014-06-27. Review status: criteria provided, single submitter. Criteria: GeneDx Variant Classification (06012015). Collection method: clinical testing. Allele origin: germline. Affected: yes.
Comment: This variant is considered likely benign or benign based on one or more of the following criteria: it is a conservative change, it occurs at a poorly conserved position in the protein, it is predicted to be benign by multiple in silico algorithms, and/or has population frequency not consistent with disease.

PreventionGenetics, part of Exact Sciences
Classification: Likely benign for STK11-related condition. Last evaluated: 2024-05-01. Review status: no assertion criteria provided. Collection method: clinical testing. Allele origin: germline. Not counted in ClinVar's aggregate classification.
Comment: This variant is classified as likely benign based on ACMG/AMP sequence variant interpretation guidelines (Richards et al. 2015 PMID: 25741868, with internal and published modifications).